The following is an entry in ClinVar:

ClinVar aggregate classification (germline): Pathogenic (1 of 4 stars; one submission).

Conditions:
Fanconi anemia (FA). Also called: Fanconi's anemia. Identifiers: Orphanet 84, MedGen C0015625, MeSH D005199, MONDO:0019391.

Submission:

Labcorp Genetics (formerly Invitae), Labcorp
Classification: Pathogenic for Fanconi anemia. Last evaluated: 2022-11-24. Review status: criteria provided, single submitter. Criteria: Invitae Variant Classification Sherloc (09022015). Collection method: clinical testing. Allele origin: germline.
Comment: This sequence change creates a premature translational stop signal (p.Cys1015Leufs*6) in the FANCD2 gene. It is expected to result in an absent or disrupted protein product. Loss-of-function variants in FANCD2 are known to be pathogenic (PMID: 17436244). This variant is not present in population databases (gnomAD no frequency). This variant has not been reported in the literature in individuals affected with FANCD2-related conditions. For these reasons, this variant has been classified as Pathogenic.

Literature cited by the submitters: PubMed 17436244.

NM_001018115.3(FANCD2):c.3044del (p.Cys1015fs)

Gene: FANCD2 (FA complementation group D2; plus strand). Cytogenetic location: 3p25.3.
Variant type: Deletion.
Coding change: c.3044del on transcript NM_001018115.3 (MANE Select); coding-DNA position 3044, one base deleted (G; older notation c.3044delG).
Protein change: p.Cys1015fs; shifts the reading frame from cysteine 1015.
Molecular consequence: frameshift variant.
Genome position (GRCh38, 1-based): chr3:10,081,167, G deleted. VCF-style (leftmost placement, unchanged base first): chr3-10081166-TG-T. GRCh37 (hg19) VCF-style: chr3-10122850-TG-T.
Other names: c.3044del, p.Cys1015fs (NM_001319984.2, NM_001374254.1, NM_033084.6); c.2933del, p.Cys978fs (NM_001374253.1); short protein forms C978fs, C1015fs.
Identifiers: ClinVar variation 2787405 (VCV002787405.3), dbSNP rs2470014831, ClinGen allele CA2739278512.